The following is an entry in ClinVar:

NM_024580.6(EFL1):c.770G>A (p.Gly257Asp)

Gene: EFL1 (elongation factor like GTPase 1; minus strand). Cytogenetic location: 15q25.2.
Variant type: single nucleotide variant.
Coding change: c.770G>A on transcript NM_024580.6 (MANE Select); coding-DNA position 770, G replaced by A.
Protein change: p.Gly257Asp; replaces glycine 257 with aspartic acid.
Molecular consequence: missense variant. On other transcripts: 5 prime UTR variant (1), non-coding transcript variant (1).
Genome position (GRCh38, 1-based): chr15:82,230,933, C>T on the plus strand (G>A on the coding strand, the complement: EFL1 is on the minus strand). VCF-style: chr15-82230933-C-T. GRCh37 (hg19) VCF-style: chr15-82523274-C-T.
Other names: c.617G>A, p.Gly206Asp (NM_001040610.3); c.-20G>A (NM_001322844.2); c.770G>A, p.Gly257Asp (NM_001322845.2); short protein forms G257D, G206D.
Identifiers: ClinVar variation 1394890 (VCV001394890.14), dbSNP rs780230145, ClinGen allele CA7698194.

ClinVar aggregate classification (germline): Uncertain significance. Review status: criteria provided, multiple submitters, no conflicts (2 of 4 stars). 2 submissions from 2 submitters: Uncertain significance (2). Last evaluated 2025-09-01.

gnomAD v4.1: 27 of 1,613,018 alleles (0.0017%); highest among the groups gnomAD compares: Admixed American, 0.0033%; no homozygotes.

Submissions (2):

CeGaT Center for Human Genetics Tuebingen
Classification: Uncertain significance. Last evaluated: 2025-09-01. Review status: criteria provided, single submitter. Criteria: CeGaT Center For Human Genetics Tuebingen Variant Classification Criteria Version 2. Collection method: clinical testing. Allele origin: germline. Affected: yes. Observed: 1 variant allele.
Comment: EFL1: PM2

Labcorp Genetics (formerly Invitae), Labcorp
Classification: Uncertain significance. Last evaluated: 2023-11-27. Review status: criteria provided, single submitter. Criteria: Invitae Variant Classification Sherloc (09022015). Collection method: clinical testing. Allele origin: germline.
Comment: This sequence change replaces glycine, which is neutral and non-polar, with aspartic acid, which is acidic and polar, at codon 257 of the EFL1 protein (p.Gly257Asp). This variant is present in population databases (rs780230145, gnomAD 0.006%). This variant has not been reported in the literature in individuals affected with EFL1-related conditions. ClinVar contains an entry for this variant (Variation ID: 1394890). Advanced modeling of protein sequence and biophysical properties (such as structural, functional, and spatial information, amino acid conservation, physicochemical variation, residue mobility, and thermodynamic stability) has been performed at Invitae for this missense variant, however the output from this modeling did not meet the statistical confidence thresholds required to predict the impact of this variant on EFL1 protein function. In summary, the available evidence is currently insufficient to determine the role of this variant in disease. Therefore, it has been classified as a Variant of Uncertain Significance.